The following is an entry in ClinVar:

NM_000459.5(TEK):c.3324T>A (p.Tyr1108Ter)

Gene: TEK (TEK receptor tyrosine kinase; plus strand). Cytogenetic location: 9p21.2.
Variant type: single nucleotide variant.
Coding change: c.3324T>A on transcript NM_000459.5 (MANE Select); coding-DNA position 3324, T replaced by A.
Protein change: p.Tyr1108Ter; replaces tyrosine 1108 with a stop codon.
Molecular consequence: nonsense.
Genome position (GRCh38, 1-based): chr9:27,229,181, T>A. VCF-style: chr9-27229181-T-A. GRCh37 (hg19) VCF-style: chr9-27229179-T-A.
Other names: c.3195T>A, p.Tyr1065Ter (NM_001290077.2); c.2880T>A, p.Tyr960Ter (NM_001290078.2); c.3321T>A, p.Tyr1107Ter (NM_001375475.1); c.3192T>A, p.Tyr1064Ter (NM_001375476.1); short protein forms Y1064*, Y1065*, Y1107*, Y1108*, Y960*.
Identifiers: ClinVar variation 981231 (VCV000981231.2), dbSNP rs1826462356, ClinGen allele CA373131331.

ClinVar aggregate classification (germline): Pathogenic. Review status: criteria provided, single submitter (1 of 4 stars). 2 submissions from 2 submitters: Pathogenic (1). 1 of the submissions does not count toward it. Last evaluated 2023-08-11.

Conditions:
Multiple cutaneous and mucosal venous malformations (VMCM). Also called: TEK-Related Multiple Cutaneous and Mucosal Venous Malformations (VMCM). Identifiers: Orphanet 2451, MedGen C1838437, MONDO:0010842, OMIM 600195.
Abnormal cardiovascular system morphology. Also called: Abnormality of cardiovascular system morphology. Identifiers: MedGen C4049796, HP:0030680.

Submissions (2):

Clinical Genomics Laboratory, Washington University in St. Louis
Classification: Pathogenic for Multiple cutaneous and mucosal venous malformations. Last evaluated: 2023-08-11. Review status: criteria provided, single submitter. Criteria: ACMG Guidelines, 2015. Collection method: clinical testing. Allele origin: somatic. Affected: yes.
Comment: The TEK c.3324T>A (p.Tyr1108Ter) variant was identified at an allelic fraction consistent with somatic origin. The TEK c.3324T>A (p.Tyr1108Ter) variant has been reported in one case of venous malformation (Paolacci S et al., PMID: 33105631). Similarly, a termination codon at this position resulting from different nucleotide changes (c.3323_3324del; c.3319_3320 del; c.3324T>C), has been reported in one individual affected with blue rubber bleb nevus syndrome and at least two individuals with venous malformations (Soblet J et al., PMID: 27519652; Mattassi R et al., PMID: 28655553; Paolacci S et al., PMID: 33105631; Sterba M et al., PMID: 37380669). The TEK c.3324T>A (p.Tyr1108Ter) variant is absent from the general population (gnomAD v.2.1.1), indicating it is not a common variant. The TEK c.3324T>A (p.Tyr1108Ter) variant causes a premature termination codon; however, because this occurs in the last exon, it is not predicted to lead to nonsense-mediated decay. This variant resides within the C-terminal tail, amino acids A905-A1124, of TEK, which is a critical functional domain (Shewchuk LM et al., PMID: 11080633). In particular, functional studies show that the C-terminal tail exerts an autoinhibitory effect on TIE2, and truncated protein products disrupting this region have been shown to increase kinase activity in vitro as well as increase downstream signaling and impair apoptosis in a cell line (Wouters V et al., PMID: 19888299; Murray BW et al., PMID: 11513602; Niu XL et al., PMID: 12082108). Furthermore, truncating variants have been reported in this region in multiple patients with vascular malformations (Soblet J et al., PMID: 23801934; Soblet J et al., PMID: 27519652; Paolacci S et al., PMID: 33105631; Sterba M et al., PMID: 37380669). Based on an internally-developed protocol informed by the ACMG/AMP guidelines (Richards S et al., PMID: 25741868) and gene-specific practices from the ClinGen Criteria Specification Registry, the TEK c.3324T>A (p.Tyr1108Ter) variant is classified as pathogenic.

MAGI's Lab - Research, MAGI Group
Classification: Pathogenic for Abnormal cardiovascular system morphology. Review status: no assertion criteria provided. Collection method: provider interpretation. Allele origin: somatic. Affected: yes. Not counted in ClinVar's aggregate classification.